The following is an entry in ClinVar:

NM_000245.4(MET):c.1062C>T (p.Ala354=)

Gene: MET (MET proto-oncogene, receptor tyrosine kinase; plus strand). Cytogenetic location: 7q31.2.
Variant type: single nucleotide variant.
Coding change: c.1062C>T on transcript NM_000245.4 (MANE Select); coding-DNA position 1062, C replaced by T.
Protein change: p.Ala354=; no amino-acid change (alanine 354 retained).
Molecular consequence: synonymous variant. On other transcripts: intron variant (1).
Genome position (GRCh38, 1-based): chr7:116,700,146, C>T. VCF-style: chr7-116700146-C-T. GRCh37 (hg19) VCF-style: chr7-116340200-C-T.
Other names: c.1062C>T, p.Ala354= (NM_001127500.3, NM_001324401.3); c.-91+27569C>T (NM_001324402.2); c.1062C>T (NM_001127500.2).
Identifiers: ClinVar variation 416924 (VCV000416924.19), dbSNP rs755166920, ClinGen allele CA4448062.

ClinVar aggregate classification (germline): Benign/Likely benign. Review status: criteria provided, multiple submitters, no conflicts (2 of 4 stars). 5 submissions from 5 submitters: Benign (1); Likely benign (3). 1 of the submissions does not count toward it. Last evaluated 2025-12-30.

Conditions:
MET-related disorder. Also called: MET-related condition.
Hereditary cancer-predisposing syndrome. Also called: Tumor predisposition; Neoplastic Syndromes, Hereditary; Hereditary neoplastic syndrome; Hereditary Cancer Syndrome. Identifiers: Orphanet 140162, MedGen C0027672, MeSH D009386, MONDO:0015356.
Renal cell carcinoma. Identifiers: Orphanet 217071, MedGen C0007134, MeSH D002292, MONDO:0005086, HP:0005584.
Papillary renal cell carcinoma type 1 (RCCP1). Also called: RENAL CELL CARCINOMA, PAPILLARY, 1, SOMATIC; Renal adenocarcinoma; Renal cell carcinoma 1; Renal cell carcinoma, somatic. Identifiers: Orphanet 47044, MedGen C1336839, OMIM 605074, HP:0011797.

Allele frequency attached by ClinVar (database versions not stated): gnomAD 0.00004; TOPMed 0.00005.
gnomAD v4.1: 31 of 1,596,826 alleles (0.0019%); highest among the groups gnomAD compares: African/African-American, 0.011%; no homozygotes.

Submissions (5):

Labcorp Genetics (formerly Invitae), Labcorp
Classification: Likely benign for Renal cell carcinoma. Last evaluated: 2025-12-30. Review status: criteria provided, single submitter. Criteria: Invitae Variant Classification Sherloc (09022015). Collection method: clinical testing. Allele origin: germline.

Myriad Genetics, Inc.
Classification: Benign for Papillary renal cell carcinoma type 1. Last evaluated: 2024-11-07. Review status: criteria provided, single submitter. Criteria: Myriad Autosomal Dominant, Autosomal Recessive and X-Linked Classification Criteria (2023). Collection method: clinical testing. Allele origin: unknown.
Comment: This variant is considered benign. This variant is a silent/synonymous amino acid change and it is not expected to impact splicing.

Sema4
Classification: Likely benign for Hereditary cancer-predisposing syndrome. Last evaluated: 2022-03-04. Review status: criteria provided, single submitter. Criteria: Sema4 Curation Guidelines. Collection method: curation. Allele origin: germline.

Ambry Genetics
Classification: Likely benign for Hereditary cancer-predisposing syndrome. Last evaluated: 2018-03-10. Review status: criteria provided, single submitter. Criteria: Ambry Variant Classification Scheme 2023. Collection method: clinical testing. Allele origin: germline.

PreventionGenetics, part of Exact Sciences
Classification: Likely benign for MET-related condition. Last evaluated: 2024-06-08. Review status: no assertion criteria provided. Collection method: clinical testing. Allele origin: germline. Not counted in ClinVar's aggregate classification.
Comment: This variant is classified as likely benign based on ACMG/AMP sequence variant interpretation guidelines (Richards et al. 2015 PMID: 25741868, with internal and published modifications).